The following is an entry in ClinVar:

NM_004247.4(EFTUD2):c.1403G>A (p.Cys468Tyr)

Gene: EFTUD2 (elongation factor Tu GTP binding domain containing 2; minus strand). Cytogenetic location: 17q21.31.
Variant type: single nucleotide variant.
Coding change: c.1403G>A on transcript NM_004247.4 (MANE Select); coding-DNA position 1403, G replaced by A.
Protein change: p.Cys468Tyr; replaces cysteine 468 with tyrosine.
Molecular consequence: missense variant.
Genome position (GRCh38, 1-based): chr17:44,863,665, C>T on the plus strand (G>A on the coding strand, the complement: EFTUD2 is on the minus strand). VCF-style: chr17-44863665-C-T. GRCh37 (hg19) VCF-style: chr17-42941033-C-T.
Other names: c.1298G>A, p.Cys433Tyr (NM_001142605.2); c.1403G>A, p.Cys468Tyr (NM_001258353.2); c.1373G>A, p.Cys458Tyr (NM_001258354.2); short protein forms C433Y, C458Y, C468Y.
Identifiers: ClinVar variation 3776318 (VCV003776318.1).
Genomic context (GRCh38, chr17:44,863,665, plus strand): 5'-ACAGGAAGGGGAAAAAAAGACCAGAGAACCGGGGAGCCACATGCCCTTACATCAGGGTCA[C>T]AGTCACTCATAGCCTCGCCGAGGTCGGAGTCCACACCACCGGTGTAGGTGTGCTCAATCT-3'
Protein context (NP_004238.3, residues 458-478): DSDLGEAMSD[Cys468Tyr]DPDGPLMCHT

ClinVar aggregate classification (germline): Uncertain significance (1 of 4 stars; one submission).

Submission:

GeneDx
Classification: Uncertain significance. Last evaluated: 2024-10-06. Review status: criteria provided, single submitter. Criteria: GeneDx Variant Classification Process June 2021. Collection method: clinical testing. Allele origin: germline. Affected: yes.
Comment: Not observed at significant frequency in large population cohorts (gnomAD); In silico analysis supports that this missense variant has a deleterious effect on protein structure/function; Has not been previously published as pathogenic or benign to our knowledge